The following is an entry in ClinVar:

NM_002519.3(NPAT):c.2959G>T (p.Val987Phe)

Gene: NPAT (nuclear protein, coactivator of histone transcription; minus strand). Cytogenetic location: 11q22.3.
Variant type: single nucleotide variant.
Coding change: c.2959G>T on transcript NM_002519.3 (MANE Select); coding-DNA position 2959, G replaced by T.
Protein change: p.Val987Phe; replaces valine 987 with phenylalanine.
Molecular consequence: missense variant.
Genome position (GRCh38, 1-based): chr11:108,169,795, C>A on the plus strand (G>T on the coding strand, the complement: NPAT is on the minus strand). VCF-style: chr11-108169795-C-A. GRCh37 (hg19) VCF-style: chr11-108040522-C-A.
Other names: c.2959G>T, p.Val987Phe (NM_001321307.1); short protein forms V987F.
Identifiers: ClinVar variation 1798140 (VCV001798140.4), dbSNP rs62642487, ClinGen allele CA6263695.

ClinVar aggregate classification (germline): Uncertain significance. Review status: criteria provided, multiple submitters, no conflicts (2 of 4 stars). 2 submissions from 2 submitters: Uncertain significance (2). Last evaluated 2025-05-23.

gnomAD v4.1: 45 of 1,613,838 alleles (0.0028%); highest among the groups gnomAD compares: Admixed American, 0.005%; no homozygotes.

Submissions (2):

Ambry Genetics
Classification: Uncertain significance. Last evaluated: 2025-05-23. Review status: criteria provided, single submitter. Criteria: Ambry Variant Classification Scheme 2023. Collection method: clinical testing. Allele origin: germline.

Labcorp Genetics (formerly Invitae), Labcorp
Classification: Uncertain significance. Last evaluated: 2025-01-30. Review status: criteria provided, single submitter. Criteria: Invitae Variant Classification Sherloc (09022015). Collection method: clinical testing. Allele origin: germline.
Comment: This sequence change replaces valine, which is neutral and non-polar, with phenylalanine, which is neutral and non-polar, at codon 987 of the NPAT protein (p.Val987Phe). This variant is present in population databases (rs62642487, gnomAD 0.06%). This variant has not been reported in the literature in individuals affected with NPAT-related conditions. ClinVar contains an entry for this variant (Variation ID: 1798140). An algorithm developed to predict the effect of missense changes on protein structure and function (PolyPhen-2) suggests that this variant is likely to be disruptive. In summary, the available evidence is currently insufficient to determine the role of this variant in disease. Therefore, it has been classified as a Variant of Uncertain Significance.